The following is an entry in ClinVar:

NM_133433.4(NIPBL):c.1468C>T (p.Arg490Cys)

Gene: NIPBL (NIPBL cohesin loading factor; plus strand). Cytogenetic location: 5p13.2.
Variant type: single nucleotide variant.
Coding change: c.1468C>T on transcript NM_133433.4 (MANE Select); coding-DNA position 1468, C replaced by T.
Protein change: p.Arg490Cys; replaces arginine 490 with cysteine.
Molecular consequence: missense variant.
Genome position (GRCh38, 1-based): chr5:36,976,375, C>T. VCF-style: chr5-36976375-C-T. GRCh37 (hg19) VCF-style: chr5-36976477-C-T.
Other names: c.1468C>T, p.Arg490Cys (NM_015384.5); short protein forms R490C.
Identifiers: ClinVar variation 3683176 (VCV003683176.2).

ClinVar aggregate classification (germline): Uncertain significance (1 of 4 stars; one submission).

Conditions:
Cornelia de Lange syndrome 1 (CDLS1). Also called: TYPUS DEGENERATIVUS AMSTELODAMENSIS; Brachmann de Lange syndrome; NIPBL-Related Cornelia de Lange Syndrome. Identifiers: Orphanet 199, MedGen C4551851, MONDO:0007387, OMIM 122470.

gnomAD v4.1: 2 of 1,609,276 alleles (0.00012%); highest among the groups gnomAD compares: Non-Finnish European, 0.00017%; no homozygotes.

Submission:

Labcorp Genetics (formerly Invitae), Labcorp
Classification: Uncertain significance for Cornelia de Lange syndrome 1. Last evaluated: 2024-09-04. Review status: criteria provided, single submitter. Criteria: Invitae Variant Classification Sherloc (09022015). Collection method: clinical testing. Allele origin: germline.
Comment: This sequence change replaces arginine, which is basic and polar, with cysteine, which is neutral and slightly polar, at codon 490 of the NIPBL protein (p.Arg490Cys). This variant is not present in population databases (gnomAD no frequency). This variant has not been reported in the literature in individuals affected with NIPBL-related conditions. Invitae Evidence Modeling of protein sequence and biophysical properties (such as structural, functional, and spatial information, amino acid conservation, physicochemical variation, residue mobility, and thermodynamic stability) has been performed for this missense variant. However, the output from this modeling did not meet the statistical confidence thresholds required to predict the impact of this variant on NIPBL protein function. In summary, the available evidence is currently insufficient to determine the role of this variant in disease. Therefore, it has been classified as a Variant of Uncertain Significance.